The following is an entry in ClinVar:

NM_000368.5(TSC1):c.2233_2235del (p.Lys745del)

Gene: TSC1 (TSC complex subunit 1; minus strand). Cytogenetic location: 9q34.13.
Variant type: Deletion.
Coding change: c.2233_2235del on transcript NM_000368.5 (MANE Select); coding-DNA positions 2233 to 2235, 3 bases deleted (AAG; older notation c.2233_2235delAAG).
Protein change: p.Lys745del; deletes lysine 745.
Molecular consequence: non-coding transcript variant (on NR_176214.1).
Genome position (GRCh38, 1-based): chr9:132,902,761-132,902,763, CTT deleted on the plus strand (AAG on the coding strand, the reverse complement: TSC1 is on the minus strand); deleting any 3 consecutive bases within chr9:132,902,761-132,902,765 gives the same sequence; the c. name uses the placement nearest the transcript's 3' end. VCF-style (leftmost placement, unchanged base first): chr9-132902760-CCTT-C. GRCh37 (hg19) VCF-style: chr9-135778147-CCTT-C.
Other names: c.1870_1872del, p.Lys624del (NM_001406624.1, NM_001406614.1, NM_001406615.1 and 5 more transcripts); c.1867_1869del, p.Lys623del (NM_001406625.1, NM_001406620.1, NM_001406621.1 and 2 more transcripts); c.1282_1284del, p.Lys428del (NM_001406626.1); c.1279_1281del, p.Lys427del (NM_001406627.1, NM_001406628.1); c.1180_1182del, p.Lys394del (NM_001406629.1, NM_001406630.1); c.2077_2079del, p.Lys693del (NM_001406612.1, NM_001406613.1, NM_001406611.1); c.2230_2232del, p.Lys744del (NM_001162426.2, NM_001406597.1, NM_001406598.1 and 4 more transcripts); c.2080_2082del, p.Lys694del (NM_001162427.2, NM_001406610.1); and 3 more; short protein forms K394del, K739del, K740del, K745del, K427del, K744del, K693del, K428del.
Identifiers: ClinVar variation 3645272 (VCV003645272.2).

ClinVar aggregate classification (germline): Uncertain significance (1 of 4 stars; one submission).

Conditions:
Tuberous sclerosis 1 (TSC1). Identifiers: Orphanet 805, MedGen C1854465, MONDO:0008612, OMIM 191100.

Submission:

Labcorp Genetics (formerly Invitae), Labcorp
Classification: Uncertain significance for Tuberous sclerosis 1. Last evaluated: 2024-03-10. Review status: criteria provided, single submitter. Criteria: Invitae Variant Classification Sherloc (09022015). Collection method: clinical testing. Allele origin: germline.
Comment: This variant, c.2233_2235del, results in the deletion of 1 amino acid(s) of the TSC1 protein (p.Lys745del), but otherwise preserves the integrity of the reading frame. This variant is not present in population databases (gnomAD no frequency). This variant has not been reported in the literature in individuals affected with TSC1-related conditions. Experimental studies and prediction algorithms are not available or were not evaluated, and the functional significance of this variant is currently unknown. In summary, the available evidence is currently insufficient to determine the role of this variant in disease. Therefore, it has been classified as a Variant of Uncertain Significance.